The following is an entry in ClinVar:

NM_001354604.2(MITF):c.1400C>G (p.Ala467Gly)

Gene: MITF (melanocyte inducing transcription factor; plus strand). Cytogenetic location: 3p13.
Variant type: single nucleotide variant.
Coding change: c.1400C>G on transcript NM_001354604.2 (MANE Select); coding-DNA position 1400, C replaced by G.
Protein change: p.Ala467Gly; replaces alanine 467 with glycine.
Molecular consequence: missense variant.
Genome position (GRCh38, 1-based): chr3:69,965,067, C>G. VCF-style: chr3-69965067-C-G. GRCh37 (hg19) VCF-style: chr3-70014218-C-G.
Other names: c.1079C>G, p.Ala360Gly (NM_000248.4); c.1226C>G, p.Ala409Gly (NM_001184967.2, NM_001354608.2); c.1397C>G, p.Ala466Gly (NM_001354605.2); c.1379C>G, p.Ala460Gly (NM_001354606.2, NM_006722.3); c.1331C>G, p.Ala444Gly (NM_001354607.2); c.1061C>G, p.Ala354Gly (NM_198158.3); c.1382C>G, p.Ala461Gly (NM_198159.3); c.1334C>G, p.Ala445Gly (NM_198177.3); and 1 more; short protein forms A298G, A354G, A444G, A460G, A461G, A467G, A466G, A445G.
Identifiers: ClinVar variation 3873200 (VCV003873200.1).

ClinVar aggregate classification (germline): Uncertain significance (1 of 4 stars; one submission).

Conditions:
Hereditary cancer-predisposing syndrome. Also called: Tumor predisposition; Neoplastic Syndromes, Hereditary; Hereditary Cancer Syndrome; Hereditary neoplastic syndrome. Identifiers: Orphanet 140162, MedGen C0027672, MeSH D009386, MONDO:0015356.

Submission:

Ambry Genetics
Classification: Uncertain significance for Hereditary cancer-predisposing syndrome. Last evaluated: 2024-12-14. Review status: criteria provided, single submitter. Criteria: Ambry Variant Classification Scheme 2023. Collection method: clinical testing. Allele origin: germline.
Comment: The p.A360G variant (also known as c.1079C>G), located in coding exon 9 of the MITF gene, results from a C to G substitution at nucleotide position 1079. The alanine at codon 360 is replaced by glycine, an amino acid with similar properties. This amino acid position is conserved. In addition, this alteration is predicted to be tolerated by in silico analysis. Based on the available evidence, the clinical significance of this variant remains unclear.